The following is an entry in ClinVar:

ClinVar aggregate classification (germline): Uncertain significance. Review status: criteria provided, multiple submitters, no conflicts (2 of 4 stars). 3 submissions from 3 submitters: Uncertain significance (3). Last evaluated 2024-07-27.

Allele frequency attached by ClinVar (database versions not stated): gnomAD exomes below 0.00001; TOPMed below 0.00001; gnomAD 0.00001; ESP Exome Variant Server 0.00008.
gnomAD v4.1: 16 of 1,612,700 alleles (0.00099%); highest among the groups gnomAD compares: Middle Eastern, 0.016%; no homozygotes.

Submissions (3):

Labcorp Genetics (formerly Invitae), Labcorp
Classification: Uncertain significance. Last evaluated: 2024-07-27. Review status: criteria provided, single submitter. Criteria: Invitae Variant Classification Sherloc (09022015). Collection method: clinical testing. Allele origin: germline.
Comment: This sequence change creates a premature translational stop signal (p.Lys509*) in the RECQL gene. It is expected to result in an absent or disrupted protein product. However, the current clinical and genetic evidence is not sufficient to establish whether loss-of-function variants in RECQL cause disease. This variant is present in population databases (rs199925437, gnomAD 0.0009%). This premature translational stop signal has been observed in individual(s) with colorectal polyps and breast cancer (PMID: 30267214, 31173646). ClinVar contains an entry for this variant (Variation ID: 1492364). In summary, the available evidence is currently insufficient to determine the role of this variant in disease. Therefore, it has been classified as a Variant of Uncertain Significance.

Ambry Genetics
Classification: Uncertain significance. Last evaluated: 2023-10-16. Review status: criteria provided, single submitter. Criteria: Ambry Variant Classification Scheme 2023. Collection method: clinical testing. Allele origin: germline.
Comment: The p.K509* variant (also known as c.1525A>T), located in coding exon 12 of the RECQL gene, results from an A to T substitution at nucleotide position 1525. This changes the amino acid from a lysine to a stop codon within coding exon 12. This alteration is expected to result in loss of function by premature protein truncation or nonsense-mediated mRNA decay. The evidence for this gene-disease relationship is limited; therefore, the clinical significance of this alteration is unclear.

GeneDx
Classification: Uncertain significance. Last evaluated: 2023-06-06. Review status: criteria provided, single submitter. Criteria: GeneDx Variant Classification Process June 2021. Collection method: clinical testing. Allele origin: germline. Affected: yes.
Comment: Nonsense variant predicted to result in protein truncation or nonsense-mediate decay in a gene for which loss-of-function is not an established mechanism of disease; Not observed at significant frequency in large population cohorts (gnomAD); Variants in candidate genes are classified as variants of uncertain significance in accordance with ACMG guidelines (Richards et al., 2015); This variant is associated with the following publications: (PMID: 30267214, 31173646)

Literature cited by the submitters: PubMed 30267214 (cited by Labcorp Genetics (formerly Invitae), Labcorp and Ambry Genetics); PubMed 31173646 (cited by Labcorp Genetics (formerly Invitae), Labcorp and Ambry Genetics).

NM_002907.4(RECQL):c.1525A>T (p.Lys509Ter)

Gene: RECQL (RecQ like helicase; minus strand). Cytogenetic location: 12p12.1.
Variant type: single nucleotide variant.
Coding change: c.1525A>T on transcript NM_002907.4 (MANE Select); coding-DNA position 1525, A replaced by T.
Protein change: p.Lys509Ter; replaces lysine 509 with a stop codon.
Molecular consequence: nonsense.
Genome position (GRCh38, 1-based): chr12:21,471,570, T>A on the plus strand (A>T on the coding strand, the complement: RECQL is on the minus strand). VCF-style: chr12-21471570-T-A. GRCh37 (hg19) VCF-style: chr12-21624504-T-A.
Other names: c.1525A>T, p.Lys509Ter (NM_032941.3); short protein forms K509*.
Identifiers: ClinVar variation 1492364 (VCV001492364.12), dbSNP rs199925437, ClinGen allele CA233565444.